The following is an entry in ClinVar:

NM_017763.6(RNF43):c.636C>A (p.Ile212=)

Gene: RNF43 (ring finger protein 43; minus strand). Cytogenetic location: 17q22.
Variant type: single nucleotide variant.
Coding change: c.636C>A on transcript NM_017763.6 (MANE Select); coding-DNA position 636, C replaced by A.
Protein change: p.Ile212=; no amino-acid change (isoleucine 212 retained).
Molecular consequence: synonymous variant.
Genome position (GRCh38, 1-based): chr17:58,362,595, G>T on the plus strand (C>A on the coding strand, the complement: RNF43 is on the minus strand). VCF-style: chr17-58362595-G-T. GRCh37 (hg19) VCF-style: chr17-56439956-G-T.
Other names: c.636C>A, p.Ile212= (NM_001305544.3, NM_001438820.1, NM_001438821.1 and 1 more transcripts); c.255C>A, p.Ile85= (NM_001305545.2, NM_001437987.1).
Identifiers: ClinVar variation 4876208 (VCV004876208.1).
Genomic context (GRCh38, chr17:58,362,595, plus strand): 5'-ACTGCTCACCGGCCTGCTGTGGCGGGGGCGGCACCGGATGCGCAGCACCGAAGCCAGGAT[G>T]ATCACAAAGATGGTGCCCACCACTGTCATTAGGATCCACACATCATAATCTGGCTGGGGA-3'
Protein context (NP_060233.3, residues 202-222): LMTVVGTIFV[Ile212=]ILASVLRIRC

ClinVar aggregate classification (germline): Benign (1 of 4 stars; one submission).

Conditions:
Sessile serrated polyposis cancer syndrome (SSPCS). Identifiers: Orphanet 157798, MedGen C4310714, MONDO:0014919, OMIM 617108.

gnomAD v4.1: 1 of 1,612,272 alleles (0.000062%); highest among the groups gnomAD compares: Non-Finnish European, 0.000085%; no homozygotes.

Submission:

Myriad Genetics, Inc.
Classification: Benign for Sessile serrated polyposis cancer syndrome. Last evaluated: 2026-06-30. Review status: criteria provided, single submitter. Criteria: Myriad Autosomal Dominant, Autosomal Recessive and X-Linked Classification Criteria (2023). Collection method: clinical testing. Allele origin: unknown.
Comment: This variant is considered benign. This variant is a silent/synonymous amino acid change and it is not expected to impact splicing.